The following is an entry in ClinVar:

ClinVar aggregate classification (germline): Uncertain significance. Review status: criteria provided, multiple submitters, no conflicts (2 of 4 stars). 2 submissions from 2 submitters: Uncertain significance (2). Last evaluated 2025-09-09.

Conditions:
Inborn genetic diseases. Identifiers: MedGen C0950123, MeSH D030342.

Allele frequency attached by ClinVar (database versions not stated): gnomAD exomes below 0.00001 and 0.00005; gnomAD 0.00001.
gnomAD v4.1: 78 of 1,614,032 alleles (0.0048%); highest among the groups gnomAD compares: Non-Finnish European, 0.0064%; no homozygotes.

Submissions (2):

Ambry Genetics
Classification: Uncertain significance for Inborn genetic diseases. Last evaluated: 2025-09-09. Review status: criteria provided, single submitter. Criteria: Ambry Variant Classification Scheme 2023. Collection method: clinical testing. Allele origin: germline.

Labcorp Genetics (formerly Invitae), Labcorp
Classification: Uncertain significance. Last evaluated: 2021-08-27. Review status: criteria provided, single submitter. Criteria: Invitae Variant Classification Sherloc (09022015). Collection method: clinical testing. Allele origin: germline.
Comment: This sequence change replaces glutamic acid with lysine at codon 429 of the HTRA2 protein (p.Glu429Lys). The glutamic acid residue is moderately conserved and there is a small physicochemical difference between glutamic acid and lysine. This variant is not present in population databases (ExAC no frequency). This variant has not been reported in the literature in individuals affected with HTRA2-related conditions. Algorithms developed to predict the effect of missense changes on protein structure and function are either unavailable or do not agree on the potential impact of this missense change (SIFT: "Tolerated"; PolyPhen-2: "Probably Damaging"; Align-GVGD: "Class C0"). In summary, the available evidence is currently insufficient to determine the role of this variant in disease. Therefore, it has been classified as a Variant of Uncertain Significance.

NM_013247.5(HTRA2):c.1285G>A (p.Glu429Lys)

Genes: HTRA2 (HtrA serine peptidase 2; plus strand), LOXL3 (lysyl oxidase like 3; minus strand). Cytogenetic location: 2p13.1.
Variant type: single nucleotide variant.
Coding change: c.1285G>A on transcript NM_013247.5 (MANE Select); coding-DNA position 1285, G replaced by A.
Protein change: p.Glu429Lys; replaces glutamic acid 429 with lysine.
Molecular consequence: missense variant. On other transcripts: non-coding transcript variant (4), 3 prime UTR variant (3).
Genome position (GRCh38, 1-based): chr2:74,532,893, G>A. VCF-style: chr2-74532893-G-A. GRCh37 (hg19) VCF-style: chr2-74760020-G-A.
Other names: c.1219G>A, p.Glu407Lys (NM_001321727.1); c.1189G>A, p.Glu397Lys (NM_001321728.1); c.994G>A, p.Glu332Lys (NM_145074.2); c.*713C>T (NM_001289164.3, NM_001289165.2, NM_032603.5); short protein forms E407K, E429K, E332K, E397K.
Identifiers: ClinVar variation 1382328 (VCV001382328.4), dbSNP rs1040801425, ClinGen allele CA50489782.